The following is an entry in ClinVar:

NM_022089.4(ATP13A2):c.2270C>T (p.Ala757Val)

Gene: ATP13A2 (ATPase cation transporting 13A2; minus strand). Cytogenetic location: 1p36.13.
Variant type: single nucleotide variant.
Coding change: c.2270C>T on transcript NM_022089.4 (MANE Select); coding-DNA position 2270, C replaced by T.
Protein change: p.Ala757Val; replaces alanine 757 with valine.
Molecular consequence: missense variant.
Genome position (GRCh38, 1-based): chr1:16,990,269, G>A on the plus strand (C>T on the coding strand, the complement: ATP13A2 is on the minus strand). VCF-style: chr1-16990269-G-A. GRCh37 (hg19) VCF-style: chr1-17316764-G-A.
Other names: c.2255C>T, p.Ala752Val (NM_001141973.3, NM_001141974.3); short protein forms A752V, A757V.
Identifiers: ClinVar variation 1061042 (VCV001061042.5), dbSNP rs1208175914, ClinGen allele CA338242124.

ClinVar aggregate classification (germline): Uncertain significance (1 of 4 stars; one submission).

Conditions:
Autosomal recessive spastic paraplegia type 78. Identifiers: Orphanet 513436, MedGen C5567893, MONDO:0014975, OMIM 617225.
Kufor-Rakeb syndrome (KRS). Also called: PARKINSON DISEASE 9, AUTOSOMAL RECESSIVE, JUVENILE-ONSET. Identifiers: Orphanet 306674, Orphanet 314632, MedGen C1847640, MONDO:0011706, OMIM 606693.

Allele frequency attached by ClinVar (database versions not stated): gnomAD exomes below 0.00001; TOPMed below 0.00001; gnomAD 0.00001.
gnomAD v4.1: 5 of 1,613,930 alleles (0.00031%); highest among the groups gnomAD compares: African/African-American, 0.0013%; no homozygotes.

Submission:

Labcorp Genetics (formerly Invitae), Labcorp
Classification: Uncertain significance for Kufor-Rakeb syndrome; Autosomal recessive spastic paraplegia type 78. Last evaluated: 2020-07-21. Review status: criteria provided, single submitter. Criteria: Invitae Variant Classification Sherloc (09022015). Collection method: clinical testing. Allele origin: germline.
Comment: This variant has not been reported in the literature in individuals with ATP13A2-related conditions. This sequence change replaces alanine with valine at codon 757 of the ATP13A2 protein (p.Ala757Val). The alanine residue is highly conserved and there is a small physicochemical difference between alanine and valine. This variant is not present in population databases (ExAC no frequency). Algorithms developed to predict the effect of missense changes on protein structure and function (SIFT, PolyPhen-2, Align-GVGD) all suggest that this variant is likely to be disruptive, but these predictions have not been confirmed by published functional studies and their clinical significance is uncertain. In summary, the available evidence is currently insufficient to determine the role of this variant in disease. Therefore, it has been classified as a Variant of Uncertain Significance.